The following is an entry in ClinVar:

ClinVar aggregate classification (germline): Benign. Review status: criteria provided, multiple submitters, no conflicts (2 of 4 stars). 9 submissions from 9 submitters: Benign (8). 1 of the submissions does not count toward it. Last evaluated 2026-01-19.

Conditions:
Charcot-Marie-Tooth disease type 4H (CMT4H). Also called: CHARCOT-MARIE-TOOTH DISEASE, AUTOSOMAL RECESSIVE, TYPE 4H; CHARCOT-MARIE-TOOTH DISEASE, DEMYELINATING, AUTOSOMAL RECESSIVE, TYPE 4H; CHARCOT-MARIE-TOOTH NEUROPATHY, TYPE 4H; CHARCOT-MARIE-TOOTH DISEASE, DEMYELINATING, TYPE 4H. Identifiers: Orphanet 99954, MedGen C1836336, MONDO:0012250, OMIM 609311.
FGD4-related disorder. Also called: FGD4-related condition.
Charcot-Marie-Tooth disease type 4. Also called: Charcot-Marie-Tooth disease, type IV; Charcot-Marie-Tooth, Type 4. Identifiers: Orphanet 64749, MedGen C4082197, MONDO:0018995.
Charcot-Marie-Tooth disease. Also called: Charcot-Marie-Tooth Neuropathy; Charcot-Marie-Tooth Hereditary Neuropathy. Identifiers: Orphanet 166, MedGen C0007959, MONDO:0015626.

Allele frequency attached by ClinVar (database versions not stated): gnomAD exomes 0.00383; ExAC 0.00564; 1000 Genomes Project 0.01498; gnomAD 0.01518 and 0.01632; 1000 Genomes Project 30x 0.01702; TOPMed 0.01718; ESP Exome Variant Server 0.01845.
gnomAD v4.1: 4,615 of 1,601,258 alleles (0.29%); highest among the groups gnomAD compares: African/African-American, 5.2%; 99 homozygotes.

Submissions (9):

Labcorp Genetics (formerly Invitae), Labcorp
Classification: Benign for Charcot-Marie-Tooth disease type 4. Last evaluated: 2026-01-19. Review status: criteria provided, single submitter. Criteria: Invitae Variant Classification Sherloc (09022015). Collection method: clinical testing. Allele origin: germline.

ARUP Laboratories, Molecular Genetics and Genomics, ARUP Laboratories
Classification: Benign for Charcot-Marie-Tooth disease type 4H. Last evaluated: 2023-11-22. Review status: criteria provided, single submitter. Criteria: ARUP Molecular Germline Variant Investigation Process 2024. Collection method: clinical testing. Allele origin: germline.

Athena Diagnostics
Classification: Benign. Last evaluated: 2018-03-30. Review status: criteria provided, single submitter. Criteria: Athena Diagnostics Criteria. Collection method: clinical testing. Allele origin: germline.

Illumina Laboratory Services, Illumina
Classification: Benign for Charcot-Marie-Tooth disease type 4H. Last evaluated: 2018-01-13. Review status: criteria provided, single submitter. Criteria: ICSL Variant Classification Criteria 13 December 2019. Collection method: clinical testing. Allele origin: germline.
Comment: This variant was observed in the ICSL laboratory as part of a predisposition screen in an ostensibly healthy population. It had not been previously curated by ICSL or reported in the Human Gene Mutation Database (HGMD: prior to June 1st, 2018), and was therefore a candidate for classification through an automated scoring system. Utilizing variant allele frequency, disease prevalence and penetrance estimates, and inheritance mode, an automated score was calculated to assess if this variant is too frequent to cause the disease. Based on the score and internal cut-off values, a variant classified as benign is not then subjected to further curation. The score for this variant resulted in a classification of benign for this disease.

Mayo Clinic Laboratories, Mayo Clinic
Classification: Benign. Last evaluated: 2016-07-01. Review status: criteria provided, single submitter. Criteria: ACMG Guidelines, 2015. Collection method: clinical testing. Allele origin: germline. Observed: 16 variant alleles.

GeneDx
Classification: Benign. Last evaluated: 2015-08-25. Review status: criteria provided, single submitter. Criteria: GeneDx Variant Classification (06012015). Collection method: clinical testing. Allele origin: germline. Affected: yes.
Comment: This variant is considered likely benign or benign based on one or more of the following criteria: it is a conservative change, it occurs at a poorly conserved position in the protein, it is predicted to be benign by multiple in silico algorithms, and/or has population frequency not consistent with disease.

Breakthrough Genomics
Classification: Benign. Review status: criteria provided, single submitter. Criteria: ACMG Guidelines, 2015. Collection method: not provided. Allele origin: germline. Inheritance: Autosomal recessive inheritance. Affected: yes.

Molecular Genetics Laboratory, London Health Sciences Centre
Classification: Benign for Charcot-Marie-Tooth disease. Review status: criteria provided, single submitter. Criteria: ACMG Guidelines, 2015. Collection method: clinical testing. Allele origin: germline. Affected: yes.

PreventionGenetics, part of Exact Sciences
Classification: Benign for FGD4-related condition. Last evaluated: 2019-03-04. Review status: no assertion criteria provided. Collection method: clinical testing. Allele origin: germline. Not counted in ClinVar's aggregate classification.
Comment: This variant is classified as benign based on ACMG/AMP sequence variant interpretation guidelines (Richards et al. 2015 PMID: 25741868, with internal and published modifications).

NM_001370298.3(FGD4):c.1926T>C (p.Ser642=)

Gene: FGD4 (FYVE, RhoGEF and PH domain containing 4; plus strand). Cytogenetic location: 12p11.21.
Variant type: single nucleotide variant.
Coding change: c.1926T>C on transcript NM_001370298.3 (MANE Select); coding-DNA position 1926, T replaced by C.
Protein change: p.Ser642=; no amino-acid change (serine 642 retained).
Molecular consequence: synonymous variant.
Genome position (GRCh38, 1-based): chr12:32,624,425, T>C. VCF-style: chr12-32624425-T-C. GRCh37 (hg19) VCF-style: chr12-32777359-T-C.
Other names: p.Ser505=; c.1770T>C, p.Ser590= (NM_001304481.2); c.771T>C, p.Ser257= (NM_001304483.2); c.483T>C, p.Ser161= (NM_001304484.2); c.1236T>C, p.Ser412= (NM_001330373.2, NM_001330374.2, NM_001384130.1); c.963T>C, p.Ser321= (NM_001370297.1); c.1926T>C, p.Ser642= (NM_001384126.1); c.1515T>C, p.Ser505= (NM_001384127.1, NM_001384128.1, NM_001385118.1 and 1 more transcripts).
Identifiers: ClinVar variation 308298 (VCV000308298.22), dbSNP rs60803891, ClinGen allele CA6506910.